The following is an entry in ClinVar:

NM_015404.4(WHRN):c.117G>A (p.Val39=)

Gene: WHRN (whirlin; minus strand). Cytogenetic location: 9q32.
Variant type: single nucleotide variant.
Coding change: c.117G>A on transcript NM_015404.4 (MANE Select); coding-DNA position 117, G replaced by A.
Protein change: p.Val39=; no amino-acid change (valine 39 retained).
Molecular consequence: synonymous variant.
Genome position (GRCh38, 1-based): chr9:114,504,685, C>T on the plus strand (G>A on the coding strand, the complement: WHRN is on the minus strand). VCF-style: chr9-114504685-C-T. GRCh37 (hg19) VCF-style: chr9-117266965-C-T.
Other names: p.Val39=; c.117G>A, p.Val39= (NM_001173425.2); c.117G>A (NM_015404.2).
Identifiers: ClinVar variation 45644 (VCV000045644.26), dbSNP rs2297815, ClinGen allele CA136864.

ClinVar aggregate classification (germline): Benign. Review status: criteria provided, multiple submitters, no conflicts (2 of 4 stars). 9 submissions from 8 submitters: Benign (9). Last evaluated 2026-02-04.

Conditions:
Autosomal recessive nonsyndromic hearing loss 31. Also called: WHIRLER, MOUSE, HOMOLOG OF. Identifiers: Orphanet 90636, MedGen C1846839, MONDO:0011767, OMIM 607084.
Usher syndrome type 2D. Also called: USHER SYNDROME, TYPE IID. Identifiers: Orphanet 231178, Orphanet 886, MedGen C1568249, MONDO:0012662, OMIM 611383.

Allele frequency attached by ClinVar (database versions not stated): gnomAD exomes 0.32586 and 0.35408; gnomAD 0.32590 and 0.33019; ExAC 0.33393; 1000 Genomes Project 0.25559; 1000 Genomes Project 30x 0.25843; TOPMed 0.30823; ESP Exome Variant Server 0.32273.

Submissions (9):

Labcorp Genetics (formerly Invitae), Labcorp
Classification: Benign. Last evaluated: 2026-02-04. Review status: criteria provided, single submitter. Criteria: Invitae Variant Classification Sherloc (09022015). Collection method: clinical testing. Allele origin: germline.

Genome-Nilou Lab
Classification: Benign for Autosomal recessive nonsyndromic hearing loss 31. Last evaluated: 2021-07-30. Review status: criteria provided, single submitter. Criteria: ACMG Guidelines, 2015. Collection method: clinical testing. Allele origin: germline. Affected: no.

Mayo Clinic Laboratories, Mayo Clinic
Classification: Benign. Last evaluated: 2020-10-20. Review status: criteria provided, single submitter. Criteria: ACMG Guidelines, 2015. Collection method: clinical testing. Allele origin: germline. Observed: 88 variant alleles.

Illumina Laboratory Services, Illumina
Classification: Benign for Autosomal recessive nonsyndromic hearing loss 31. Last evaluated: 2018-01-13. Review status: criteria provided, single submitter. Criteria: ICSL Variant Classification Criteria 13 December 2019. Collection method: clinical testing. Allele origin: germline.
Comment: This variant was observed in the ICSL laboratory as part of a predisposition screen in an ostensibly healthy population. It had not been previously curated by ICSL or reported in the Human Gene Mutation Database (HGMD: prior to June 1st, 2018), and was therefore a candidate for classification through an automated scoring system. Utilizing variant allele frequency, disease prevalence and penetrance estimates, and inheritance mode, an automated score was calculated to assess if this variant is too frequent to cause the disease. Based on the score and internal cut-off values, a variant classified as benign is not then subjected to further curation. The score for this variant resulted in a classification of benign for this disease.

Illumina Laboratory Services, Illumina
Classification: Benign for Usher syndrome type 2D. Last evaluated: 2018-01-13. Review status: criteria provided, single submitter. Criteria: ICSL Variant Classification Criteria 13 December 2019. Collection method: clinical testing. Allele origin: germline.
Comment: the same text as in the submission from Illumina Laboratory Services, Illumina above.

GeneDx
Classification: Benign. Last evaluated: 2015-03-03. Review status: criteria provided, single submitter. Criteria: GeneDx Variant Classification Process June 2021. Collection method: clinical testing. Allele origin: germline. Affected: yes.

Eurofins Ntd Llc (ga)
Classification: Benign. Last evaluated: 2014-06-26. Review status: criteria provided, single submitter. Criteria: EGL Classification Definitions 2015. Collection method: clinical testing. Allele origin: germline. Observed: 21 variant alleles, 18 heterozygotes, 3 homozygotes.

Laboratory for Molecular Medicine, Mass General Brigham Personalized Medicine
Classification: Benign. Last evaluated: 2009-06-12. Review status: criteria provided, single submitter. Criteria: LMM Criteria. Collection method: clinical testing. Allele origin: germline. Observed: 1,096 variant alleles.

Breakthrough Genomics
Classification: Benign. Review status: criteria provided, single submitter. Criteria: ACMG Guidelines, 2015. Collection method: not provided. Allele origin: germline. Inheritance: Autosomal recessive inheritance. Affected: yes.